The following is an entry in ClinVar:

ClinVar aggregate classification (germline): Benign. Review status: criteria provided, single submitter (1 of 4 stars). 2 submissions from 2 submitters: Benign (1). 1 of the submissions does not count toward it. Last evaluated 2024-07-01.

Conditions:
UNC5C-related disorder. Also called: UNC5C-related condition.

Allele frequency attached by ClinVar (database versions not stated): ESP Exome Variant Server 0.01576; gnomAD 0.01713; 1000 Genomes Project 30x 0.01780; 1000 Genomes Project 0.01837; ExAC 0.01859; TOPMed 0.01946; gnomAD exomes 0.01957.
gnomAD v4.1: 31,584 of 1,614,124 alleles (2%); highest among the groups gnomAD compares: East Asian, 4.1%; 424 homozygotes.

Submissions (2):

CeGaT Center for Human Genetics Tuebingen
Classification: Benign. Last evaluated: 2024-07-01. Review status: criteria provided, single submitter. Criteria: CeGaT Center For Human Genetics Tuebingen Variant Classification Criteria Version 2. Collection method: clinical testing. Allele origin: germline. Affected: yes. Observed: 2 variant alleles.
Comment: UNC5C: BS1, BS2

PreventionGenetics, part of Exact Sciences
Classification: Benign for UNC5C-related condition. Last evaluated: 2019-02-26. Review status: no assertion criteria provided. Collection method: clinical testing. Allele origin: germline. Not counted in ClinVar's aggregate classification.
Comment: This variant is classified as benign based on ACMG/AMP sequence variant interpretation guidelines (Richards et al. 2015 PMID: 25741868, with internal and published modifications).

NM_003728.4(UNC5C):c.2521G>A (p.Ala841Thr)

Gene: UNC5C (unc-5 netrin receptor C; minus strand). Cytogenetic location: 4q22.3.
Variant type: single nucleotide variant.
Coding change: c.2521G>A on transcript NM_003728.4 (MANE Select); coding-DNA position 2521, G replaced by A.
Protein change: p.Ala841Thr; replaces alanine 841 with threonine.
Molecular consequence: missense variant.
Genome position (GRCh38, 1-based): chr4:95,170,263, C>T on the plus strand (G>A on the coding strand, the complement: UNC5C is on the minus strand). VCF-style: chr4-95170263-C-T. GRCh37 (hg19) VCF-style: chr4-96091414-C-T.
Other names: c.2521G>A (NM_003728.3); short protein forms A841T.
Identifiers: ClinVar variation 2654955 (VCV002654955.25), dbSNP rs34585936, ClinGen allele CA3015366.
Genomic context (GRCh38, chr4:95,170,263, plus strand): 5'-TCTGGGGGGCATCCAGGCTGCTACAGAGCTTCTGCCGGATAGGGAGAGGGATGCTGAAAG[C>T]ACTGGGCCCCGTGACCGTGGTGATGGTGTTCGCAGGATCCAGCAGCGGCAAATCGATGCC-3'
Protein context (NP_003719.3, residues 831-851): NTITTVTGPS[Ala841Thr]FSIPLPIRQK